The following is an entry in ClinVar:

NM_000492.4(CFTR):c.1672_1673del (p.Leu558fs)

Genes: CFTR (CF transmembrane conductance regulator; plus strand), LOC111674475 (CFTR intron 11 enhancer; plus strand). Cytogenetic location: 7q31.2.
Variant type: Deletion.
Coding change: c.1672_1673del on transcript NM_000492.4 (MANE Select); coding-DNA positions 1672 to 1673, 2 bases deleted (TT; older notation c.1672_1673delTT).
Protein change: p.Leu558fs; shifts the reading frame from leucine 558.
Molecular consequence: frameshift variant.
Genome position (GRCh38, 1-based): chr7:117,587,826-117,587,827, TT deleted; deleting any 2 consecutive bases within chr7:117,587,825-117,587,827 gives the same sequence; the c. name uses the placement nearest the transcript's 3' end. VCF-style (leftmost placement, unchanged base first): chr7-117587824-CTT-C. GRCh37 (hg19) VCF-style: chr7-117227878-CTT-C.
Other names: short protein forms L558fs.
Identifiers: ClinVar variation 1725150 (VCV001725150.2), dbSNP rs2485104368, ClinGen allele CA2580076324.

ClinVar aggregate classification (germline): Likely pathogenic (1 of 4 stars; one submission).

Conditions:
Cystic fibrosis (CF). Also called: MUCOVISCIDOSIS. Identifiers: Orphanet 586, MedGen C0010674, MONDO:0009061, OMIM 219700. Disease mechanism: loss of function.

Submission:

Myriad Genetics, Inc.
Classification: Likely pathogenic for Cystic fibrosis. Last evaluated: 2022-03-09. Review status: criteria provided, single submitter. Criteria: Myriad Women's Health Autosomal Recessive and X-Linked Classification Criteria (2021). Collection method: clinical testing. Allele origin: unknown.
Comment: NM_000492.3(CFTR):c.1672_1673delTT(L558Sfs*9) is expected to be pathogenic in the context of cystic fibrosis. This variant is predicted to lead to an abnormal or absent protein product due to the creation of a premature termination codon in CFTR, a gene where loss-of-function variants are known to be pathogenic. Please note: this variant was assessed in the context of healthy population screening.